The following is an entry in ClinVar:

NM_005993.5(TBCD):c.3305C>T (p.Pro1102Leu)

Gene: TBCD (tubulin folding cofactor D). Cytogenetic location: 17q25.3.
Variant type: single nucleotide variant.
Coding change: c.3305C>T on transcript NM_005993.5 (MANE Select); coding-DNA position 3305, C replaced by T.
Protein change: p.Pro1102Leu; replaces proline 1102 with leucine.
Molecular consequence: missense variant.
Genome position (GRCh38, 1-based): chr17:82,938,072, C>T. VCF-style: chr17-82938072-C-T. GRCh37 (hg19) VCF-style: chr17-80895948-C-T.
Other names: c.3254C>T, p.Pro1085Leu (NM_001411101.1); c.3224C>T, p.Pro1075Leu (NM_001411102.1); short protein forms P1102L, P1075L, P1085L.
Identifiers: ClinVar variation 1916726 (VCV001916726.5), dbSNP rs775057996, ClinGen allele CA8863564.

ClinVar aggregate classification (germline): Uncertain significance (1 of 4 stars; one submission).

Allele frequency attached by ClinVar (database versions not stated): ExAC 0.00001; gnomAD 0.00001; gnomAD exomes 0.00001; TOPMed 0.00001.
gnomAD v4.1: 20 of 1,613,052 alleles (0.0012%); highest among the groups gnomAD compares: Non-Finnish European, 0.0017%; no homozygotes.

Submission:

Labcorp Genetics (formerly Invitae), Labcorp
Classification: Uncertain significance. Last evaluated: 2025-07-28. Review status: criteria provided, single submitter. Criteria: Invitae Variant Classification Sherloc (09022015). Collection method: clinical testing. Allele origin: germline.
Comment: This sequence change replaces proline, which is neutral and non-polar, with leucine, which is neutral and non-polar, at codon 1102 of the TBCD protein (p.Pro1102Leu). This variant is present in population databases (rs775057996, gnomAD 0.003%). This variant has not been reported in the literature in individuals affected with TBCD-related conditions. ClinVar contains an entry for this variant (Variation ID: 1916726). Invitae Evidence Modeling of protein sequence and biophysical properties (such as structural, functional, and spatial information, amino acid conservation, physicochemical variation, residue mobility, and thermodynamic stability) has been performed for this missense variant. However, the output from this modeling did not meet the statistical confidence thresholds required to predict the impact of this variant on TBCD protein function. In summary, the available evidence is currently insufficient to determine the role of this variant in disease. Therefore, it has been classified as a Variant of Uncertain Significance.